The following is an entry in ClinVar:

ClinVar aggregate classification (germline): Benign (1 of 4 stars; one submission).

Submission:

CeGaT Center for Human Genetics Tuebingen
Classification: Benign. Last evaluated: 2026-09-01. Review status: criteria provided, single submitter. Criteria: CeGaT Center For Human Genetics Tuebingen Variant Classification Criteria Version 2. Collection method: clinical testing. Allele origin: germline. Affected: yes. Observed: 15 variant alleles.
Comment: KCNQ1OT1: BS1, BS2

NM_000218.3(KCNQ1):c.1393+27038_1393+27039del

Genes: KCNQ1 (potassium voltage-gated channel subfamily Q member 1; plus strand), KCNQ1OT1 (KCNQ1 opposite strand/antisense transcript 1; minus strand). Cytogenetic location: 11p15.5.
Variant type: Deletion.
Coding change: c.1393+27038_1393+27039del on transcript NM_000218.3 (MANE Select); bases 27038 to 27039 of the intron after coding-DNA position 1393, 2 bases deleted (AA; older notation c.1393+27038_1393+27039delAA).
Molecular consequence: intron variant. On other transcripts: non-coding transcript variant (1).
Genome position (GRCh38, 1-based): chr11:2,615,892-2,615,893, AA deleted; deleting any 2 consecutive bases within chr11:2,615,891-2,615,893 gives the same sequence; the c. name uses the placement nearest the transcript's 3' end. VCF-style (leftmost placement, unchanged base first): chr11-2615890-CAA-C. GRCh37 (hg19) VCF-style: chr11-2637120-CAA-C.
Other names: c.1123+27038_1123+27039del (NM_001406837.1); c.1297+27038_1297+27039del (NM_001406836.1); c.853+27038_853+27039del (NM_001406838.1); c.1012+27038_1012+27039del (NM_181798.2).
Identifiers: ClinVar variation 2641372 (VCV002641372.24), dbSNP rs755122472, ClinGen allele CA216359710.